The following is an entry in ClinVar:

NM_001291303.3(FAT4):c.14604_14605delinsGC (p.Met4869Leu)

Gene: FAT4 (FAT atypical cadherin 4; plus strand). Cytogenetic location: 4q28.1.
Variant type: Indel.
Coding change: c.14604_14605delinsGC on transcript NM_001291303.3 (MANE Select); coding-DNA positions 14604 to 14605, AA replaced by GC.
Protein change: p.Met4869Leu; replaces methionine 4869 with leucine.
Molecular consequence: missense variant.
Genome position (GRCh38, 1-based): chr4:125,491,420-125,491,421, AA replaced by GC. VCF-style: chr4-125491420-AA-GC. GRCh37 (hg19) VCF-style: chr4-126412575-AA-GC.
Other names: c.14601_14602delinsGC, p.Met4868Leu (NM_001291285.3); c.14598_14599delinsGC, p.Met4867Leu (NM_024582.6); short protein forms M4869L, M4867L, M4868L.
Identifiers: ClinVar variation 1369561 (VCV001369561.6), dbSNP rs2126098406, ClinGen allele CA2573138040.
Genomic context (GRCh38, chr4:125,491,420, plus strand): 5'-ATCTTTCACTTGCTCAGAAATGGAATATGACAGGGAGAAGCCAATGGTATATACTTCCAG[AA>GC]TGCCCAAATTATCTCAAGTCAATGAATCTGATGCAGATGATGAAGATAATTATGGAGCCA-3'
Protein context (NP_001278232.1, residues 4859-4879): REKPMVYTSR[Met4869Leu]PKLSQVNESD

ClinVar aggregate classification (germline): Uncertain significance (1 of 4 stars; one submission).

Submission:

Labcorp Genetics (formerly Invitae), Labcorp
Classification: Uncertain significance. Last evaluated: 2025-06-04. Review status: criteria provided, single submitter. Criteria: Invitae Variant Classification Sherloc (09022015). Collection method: clinical testing. Allele origin: germline.
Comment: This sequence change replaces methionine, which is neutral and non-polar, with leucine, which is neutral and non-polar, at codon 4867 of the FAT4 protein (p.Met4867Leu). Information on the frequency of this variant in the gnomAD database is not available, as this variant may be reported differently in the database. This variant has not been reported in the literature in individuals affected with FAT4-related conditions. ClinVar contains an entry for this variant (Variation ID: 1369561). Experimental studies and prediction algorithms are not available or were not evaluated, and the functional significance of this variant is currently unknown. In summary, the available evidence is currently insufficient to determine the role of this variant in disease. Therefore, it has been classified as a Variant of Uncertain Significance.